The following is an entry in ClinVar:

ClinVar aggregate classification (germline): Pathogenic (1 of 4 stars; one submission).

Conditions:
Norman-Roberts syndrome (LIS2). Also called: Lissencephaly 2 (Norman-Roberts type). Identifiers: Orphanet 89844, MedGen C0796089, MONDO:0009760, OMIM 257320.
Familial temporal lobe epilepsy 7. Identifiers: Orphanet 101046, MedGen C4225327, MONDO:0014639, OMIM 616436.

Submission:

Labcorp Genetics (formerly Invitae), Labcorp
Classification: Pathogenic for Familial temporal lobe epilepsy 7; Norman-Roberts syndrome. Last evaluated: 2023-07-14. Review status: criteria provided, single submitter. Criteria: Invitae Variant Classification Sherloc (09022015). Collection method: clinical testing. Allele origin: germline.
Comment: For these reasons, this variant has been classified as Pathogenic. This variant has not been reported in the literature in individuals affected with RELN-related conditions. This variant is not present in population databases (gnomAD no frequency). This sequence change creates a premature translational stop signal (p.Glu2900*) in the RELN gene. It is expected to result in an absent or disrupted protein product. Loss-of-function variants in RELN are known to be pathogenic (PMID: 10973257, 26046367, 28454995).

Literature cited by the submitters: PubMed 10973257; PubMed 26046367; PubMed 28454995.

NM_005045.4(RELN):c.8698G>T (p.Glu2900Ter)

Genes: RELN (reelin; minus strand), SLC26A5-AS1 (SLC26A5 antisense RNA 1; plus strand). Cytogenetic location: 7q22.1.
Variant type: single nucleotide variant.
Coding change: c.8698G>T on transcript NM_005045.4 (MANE Select); coding-DNA position 8698, G replaced by T.
Protein change: p.Glu2900Ter; replaces glutamic acid 2900 with a stop codon.
Molecular consequence: nonsense.
Genome position (GRCh38, 1-based): chr7:103,498,222, C>A on the plus strand (G>T on the coding strand, the complement: RELN is on the minus strand). VCF-style: chr7-103498222-C-A. GRCh37 (hg19) VCF-style: chr7-103138669-C-A.
Other names: c.8698G>T, p.Glu2900Ter (NM_173054.3); short protein forms E2900*.
Identifiers: ClinVar variation 2949849 (VCV002949849.3), dbSNP rs2484704178, ClinGen allele CA368753733.